The following is an entry in ClinVar:

NM_000095.3(COMP):c.1414G>C (p.Asp472His)

Gene: COMP (cartilage oligomeric matrix protein; minus strand). Cytogenetic location: 19p13.11.
Variant type: single nucleotide variant.
Coding change: c.1414G>C on transcript NM_000095.3 (MANE Select); coding-DNA position 1414, G replaced by C.
Protein change: p.Asp472His; replaces aspartic acid 472 with histidine.
Molecular consequence: missense variant.
Genome position (GRCh38, 1-based): chr19:18,786,040, C>G on the plus strand (G>C on the coding strand, the complement: COMP is on the minus strand). VCF-style: chr19-18786040-C-G. GRCh37 (hg19) VCF-style: chr19-18896850-C-G.
Other names: short protein forms D472H.
Identifiers: ClinVar variation 1074709 (VCV001074709.9), dbSNP rs137852650, ClinGen allele CA404884573.
Genomic context (GRCh38, chr19:18,786,040, plus strand): 5'-GGCCGGGGTTAGGCACCAGGCGGCAGTTGTCCCGACTGTCAGGGACTCCGTCATTGTCGT[C>G]GTCGTCGTCGCAGGCATCACCCTGGCCATCGTGGTCTGAGTCCTCCTGGGCACTGTTAGG-3'
Protein context (NP_000086.2, residues 462-482): DGQGDACDDD[Asp472His]DNDGVPDSRD

ClinVar aggregate classification (germline): Pathogenic (1 of 4 stars; one submission).

Submission:

Labcorp Genetics (formerly Invitae), Labcorp
Classification: Pathogenic. Last evaluated: 2020-10-08. Review status: criteria provided, single submitter. Criteria: Invitae Variant Classification Sherloc (09022015). Collection method: clinical testing. Allele origin: germline.
Comment: For these reasons, this variant has been classified as Pathogenic. This variant disrupts the p.Asp472Tyr amino acid residue in COMP. Other variant(s) that disrupt this residue have been determined to be pathogenic (PMID: 7670471). This suggests that this residue is clinically significant, and that variants that disrupt this residue are likely to be disease-causing. Advanced modeling of protein sequence and biophysical properties (such as structural, functional, and spatial information, amino acid conservation, physicochemical variation, residue mobility, and thermodynamic stability) performed at Invitae indicates that this missense variant is expected to disrupt COMP protein function. This variant has been observed in individual(s) with clinical features of pseudoachondroplasia (PMID: 24595329, Invitae). This variant is not present in population databases (ExAC no frequency). This sequence change replaces aspartic acid with histidine at codon 472 of the COMP protein (p.Asp472His). The aspartic acid residue is highly conserved and there is a moderate physicochemical difference between aspartic acid and histidine.

Literature cited by the submitters: PubMed 7670471; PubMed 24595329.